The following is an entry in ClinVar:

ClinVar aggregate classification (germline): Uncertain significance (1 of 4 stars; one submission).

Conditions:
Bloom syndrome (BLM). Also called: Bloom-Torre-Machacek syndrome. Identifiers: Orphanet 125, MedGen C0005859, MONDO:0008876, OMIM 210900.

Submission:

Labcorp Genetics (formerly Invitae), Labcorp
Classification: Uncertain significance for Bloom syndrome. Last evaluated: 2022-01-19. Review status: criteria provided, single submitter. Criteria: Invitae Variant Classification Sherloc (09022015). Collection method: clinical testing. Allele origin: germline.
Comment: In summary, the available evidence is currently insufficient to determine the role of this variant in disease. Therefore, it has been classified as a Variant of Uncertain Significance. Algorithms developed to predict the effect of missense changes on protein structure and function are either unavailable or do not agree on the potential impact of this missense change (SIFT: "Deleterious"; PolyPhen-2: "Possibly Damaging"; Align-GVGD: "Class C0"). This variant has not been reported in the literature in individuals affected with BLM-related conditions. This variant is not present in population databases (gnomAD no frequency). This sequence change replaces aspartic acid, which is acidic and polar, with tyrosine, which is neutral and polar, at codon 110 of the BLM protein (p.Asp110Tyr).

NM_000057.4(BLM):c.328G>T (p.Asp110Tyr)

Gene: BLM (BLM RecQ like helicase; plus strand). Cytogenetic location: 15q26.1.
Variant type: single nucleotide variant.
Coding change: c.328G>T on transcript NM_000057.4 (MANE Select); coding-DNA position 328, G replaced by T.
Protein change: p.Asp110Tyr; replaces aspartic acid 110 with tyrosine.
Molecular consequence: missense variant. On other transcripts: 5 prime UTR variant (1).
Genome position (GRCh38, 1-based): chr15:90,749,596, G>T. VCF-style: chr15-90749596-G-T. GRCh37 (hg19) VCF-style: chr15-91292826-G-T.
Other names: c.328G>T, p.Asp110Tyr (NM_001287246.2, NM_001287247.2); c.-964G>T (NM_001287248.2); short protein forms D110Y.
Identifiers: ClinVar variation 2088175 (VCV002088175.4), dbSNP rs2505391592, ClinGen allele CA393840294.